The following is an entry in ClinVar:

NM_014991.6(WDFY3):c.6557G>A (p.Ser2186Asn)

Gene: WDFY3 (WD repeat and FYVE domain containing 3; minus strand). Cytogenetic location: 4q21.23.
Variant type: single nucleotide variant.
Coding change: c.6557G>A on transcript NM_014991.6 (MANE Select); coding-DNA position 6557, G replaced by A.
Protein change: p.Ser2186Asn; replaces serine 2186 with asparagine.
Molecular consequence: missense variant.
Genome position (GRCh38, 1-based): chr4:84,739,027, C>T on the plus strand (G>A on the coding strand, the complement: WDFY3 is on the minus strand). VCF-style: chr4-84739027-C-T. GRCh37 (hg19) VCF-style: chr4-85660180-C-T.
Other names: short protein forms S2186N.
Identifiers: ClinVar variation 1329664 (VCV001329664.2), dbSNP rs1463307477, ClinGen allele CA357554202.

ClinVar aggregate classification (germline): Uncertain significance (1 of 4 stars; one submission).

Allele frequency attached by ClinVar (database versions not stated): TOPMed below 0.00001; gnomAD 0.00001.
gnomAD v4.1: 1 of 1,613,922 alleles (0.000062%); highest among the groups gnomAD compares: African/African-American, 0.0013%; no homozygotes.

Submission:

GeneDx
Classification: Uncertain significance. Last evaluated: 2021-06-27. Review status: criteria provided, single submitter. Criteria: GeneDx Variant Classification Process June 2021. Collection method: clinical testing. Allele origin: germline. Affected: yes.
Comment: Has not been previously published as pathogenic or benign to our knowledge; Not observed at significant frequency in large population cohorts (Lek et al., 2016); In silico analysis supports that this missense variant does not alter protein structure/function; This variant is associated with the following publications: (PMID: 27535533)